The following is an entry in ClinVar:

NM_004656.4(BAP1):c.1185dup (p.Asp396fs)

Gene: BAP1 (BRCA1 associated deubiquitinase 1; minus strand). Cytogenetic location: 3p21.1.
Variant type: Duplication.
Coding change: c.1185dup on transcript NM_004656.4 (MANE Select); coding-DNA position 1185, one base duplicated (A; older notation c.1185dupA).
Protein change: p.Asp396fs; shifts the reading frame from aspartic acid 396.
Molecular consequence: frameshift variant.
Genome position (GRCh38, 1-based): chr3:52,404,518, T duplicated on the plus strand (A on the coding strand, the reverse complement: BAP1 is on the minus strand). VCF-style (leftmost placement, unchanged base first): chr3-52404517-C-CT. GRCh37 (hg19) VCF-style: chr3-52438533-C-CT.
Other names: short protein forms D396fs.
Identifiers: ClinVar variation 412415 (VCV000412415.5), dbSNP rs1553645136, ClinGen allele CA16611535.

ClinVar aggregate classification (germline): Pathogenic (1 of 4 stars; one submission).

Conditions:
BAP1-related tumor predisposition syndrome (TPDS1). Also called: COMMON Syndrome; Tumor susceptibility linked to germline BAP1 mutations; TUMOR PREDISPOSITION SYNDROME 1; BAP1 tumor predisposition syndrome. Identifiers: Orphanet 289539, MedGen C3280492, MONDO:0013692, OMIM 614327.

Submission:

Labcorp Genetics (formerly Invitae), Labcorp
Classification: Pathogenic for BAP1-related tumor predisposition syndrome. Last evaluated: 2023-06-15. Review status: criteria provided, single submitter. Criteria: Invitae Variant Classification Sherloc (09022015). Collection method: clinical testing. Allele origin: germline.
Comment: This sequence change creates a premature translational stop signal (p.Asp396Argfs*2) in the BAP1 gene. It is expected to result in an absent or disrupted protein product. Loss-of-function variants in BAP1 are known to be pathogenic (PMID: 21874000, 23684012). This variant is not present in population databases (gnomAD no frequency). This variant has not been reported in the literature in individuals affected with BAP1-related conditions. ClinVar contains an entry for this variant (Variation ID: 412415). For these reasons, this variant has been classified as Pathogenic.

Literature cited by the submitters: PubMed 21874000; PubMed 23684012.